The following is an entry in ClinVar:

NM_024325.6(ZNF343):c.1647C>T (p.Tyr549=)

Gene: ZNF343 (zinc finger protein 343; minus strand). Cytogenetic location: 20p13.
Variant type: single nucleotide variant.
Coding change: c.1647C>T on transcript NM_024325.6 (MANE Select); coding-DNA position 1647, C replaced by T.
Protein change: p.Tyr549=; no amino-acid change (tyrosine 549 retained).
Molecular consequence: synonymous variant.
Genome position (GRCh38, 1-based): chr20:2,483,314, G>A on the plus strand (C>T on the coding strand, the complement: ZNF343 is on the minus strand). VCF-style: chr20-2483314-G-A. GRCh37 (hg19) VCF-style: chr20-2463960-G-A.
Other names: c.1647C>T, p.Tyr549= (NM_001282495.1, NM_001282496.2, NM_001321800.2); c.1770C>T, p.Tyr590= (NM_001282497.2, NM_001321801.2); c.1377C>T, p.Tyr459= (NM_001282498.2); c.1767C>T, p.Tyr589= (NM_001321802.2, NM_001321803.2); c.1644C>T, p.Tyr548= (NM_001321805.2).
Identifiers: ClinVar variation 3024823 (VCV003024823.22), dbSNP rs746885025, ClinGen allele CA9732645.

ClinVar aggregate classification (germline): Likely benign (1 of 4 stars; one submission).

Allele frequency attached by ClinVar (database versions not stated): ExAC 0.00020; 1000 Genomes Project 30x 0.00172.

Submission:

CeGaT Center for Human Genetics Tuebingen
Classification: Likely benign. Last evaluated: 2024-02-01. Review status: criteria provided, single submitter. Criteria: CeGaT Center For Human Genetics Tuebingen Variant Classification Criteria Version 2. Collection method: clinical testing. Allele origin: germline. Affected: yes. Observed: 1 variant allele.
Comment: ZNF343: BP4, BP7